The following is an entry in ClinVar:

NM_000548.5(TSC2):c.2221-2A>G

Gene: TSC2 (TSC complex subunit 2; plus strand). Cytogenetic location: 16p13.3.
Variant type: single nucleotide variant.
Coding change: c.2221-2A>G on transcript NM_000548.5 (MANE Select); the canonical splice acceptor site of the intron before coding-DNA position 2221, A replaced by G.
Molecular consequence: splice acceptor variant.
Genome position (GRCh38, 1-based): chr16:2,072,847, A>G. VCF-style: chr16-2072847-A-G. GRCh37 (hg19) VCF-style: chr16-2122848-A-G.
Other names: c.877-2A>G (NM_001406693.1, NM_001406689.1, NM_001406690.1 and 6 more transcripts); c.2311-2A>G (NM_001406667.1, NM_001406668.1); c.1621-2A>G (NM_001406680.1, NM_001406683.1, NM_001406687.1 and 6 more transcripts); c.619-2A>G (NM_001406698.1); c.2221-2A>G (NM_001114382.3, NM_001406663.1, NM_001406664.1 and 6 more transcripts); c.2209-2A>G (NM_001406671.1, NM_001406673.1); c.1759-2A>G (NM_001406681.1); c.2110-2A>G (NM_001406670.1, NM_001318827.2, NM_001406678.1); and 3 more.
Identifiers: ClinVar variation 49815 (VCV000049815.9), dbSNP rs45502196, ClinGen allele CA016997.

ClinVar aggregate classification (germline): Pathogenic. Review status: criteria provided, multiple submitters, no conflicts (2 of 4 stars). 3 submissions from 3 submitters: Pathogenic (2). 1 of the submissions does not count toward it. Last evaluated 2026-01-28.

Conditions:
Hereditary cancer-predisposing syndrome. Also called: Hereditary Cancer Syndrome; Hereditary neoplastic syndrome; Neoplastic Syndromes, Hereditary; Tumor predisposition. Identifiers: Orphanet 140162, MedGen C0027672, MeSH D009386, MONDO:0015356.
Tuberous sclerosis syndrome (TSC). Also called: Tuberous Sclerosis Complex; Tuberous sclerosis. Identifiers: Orphanet 805, MedGen C0041341, MONDO:0001734.
Tuberous sclerosis 2 (TSC2). Identifiers: Orphanet 805, MedGen C1860707, MONDO:0013199, OMIM 613254.

Submissions (3):

Ambry Genetics
Classification: Pathogenic for Hereditary cancer-predisposing syndrome. Last evaluated: 2026-01-28. Review status: criteria provided, single submitter. Criteria: Ambry Variant Classification Scheme 2023. Collection method: clinical testing. Allele origin: germline.
Comment: The c.2221-2A>G intronic pathogenic mutation results from an A to G substitution two nucleotides upstream from coding exon 20 in the TSC2 gene. Variants that disrupt the canonical splice site are expected to result in aberrant splicing. In silico splice site analysis predicts that this alteration will weaken the native splice acceptor site and will result in the creation or strengthening of a novel splice acceptor site. A resulting transcript is predicted to be in-frame and is not expected to trigger nonsense-mediated mRNA decay; although, direct evidence is unavailable. This variant was reported in individuals with features consistent with tuberous sclerosis complex; in at least one individual, it was determined to be de novo (Ding Y et al. Front Genet, 2020 Mar;11:204; Avgeris S et al. Sci Rep, 2017 Dec;7:16697; Ambry internal data). This variant is considered to be rare based on population cohorts in the Genome Aggregation Database (gnomAD). This nucleotide position is highly conserved in available vertebrate species. Based on the supporting evidence, this variant is interpreted as a disease-causing mutation.

Labcorp Genetics (formerly Invitae), Labcorp
Classification: Pathogenic for Tuberous sclerosis 2. Last evaluated: 2025-01-20. Review status: criteria provided, single submitter. Criteria: Invitae Variant Classification Sherloc (09022015). Collection method: clinical testing. Allele origin: germline.
Comment: This sequence change affects an acceptor splice site in intron 20 of the TSC2 gene. It is expected to disrupt RNA splicing. Variants that disrupt the donor or acceptor splice site typically lead to a loss of protein function (PMID: 16199547), and loss-of-function variants in TSC2 are known to be pathogenic (PMID: 10205261, 17304050). This variant is not present in population databases (gnomAD no frequency). Disruption of this splice site has been observed in individual(s) with tuberous sclerosis complex (PMID: 21520333, 29196670). In at least one individual the variant was observed to be de novo. ClinVar contains an entry for this variant (Variation ID: 49815). Algorithms developed to predict the effect of sequence changes on RNA splicing suggest that this variant may disrupt the consensus splice site. For these reasons, this variant has been classified as Pathogenic.

Tuberous sclerosis database (TSC2)
No classification provided. Condition: TSC. Review status: no classification provided. Criteria: Tuberous Sclerosis Database Assertion Criteria 2015. Collection method: curation. Allele origin: germline. Affected: yes. Not counted in ClinVar's aggregate classification.

Literature cited by the submitters: PubMed 29196670 (cited by Ambry Genetics and Labcorp Genetics (formerly Invitae), Labcorp); PubMed 32211034 (cited by Ambry Genetics); PubMed 34252879 (cited by Ambry Genetics); PubMed 16199547 (cited by Labcorp Genetics (formerly Invitae), Labcorp); PubMed 10205261 (cited by Labcorp Genetics (formerly Invitae), Labcorp); PubMed 17304050 (cited by Labcorp Genetics (formerly Invitae), Labcorp); PubMed 21520333 (cited by Labcorp Genetics (formerly Invitae), Labcorp).